The following is an entry in ClinVar:

ClinVar aggregate classification (germline): Uncertain significance. Review status: criteria provided, multiple submitters, no conflicts (2 of 4 stars). 2 submissions from 2 submitters: Uncertain significance (2). Last evaluated 2025-11-11.

Conditions:
Familial thoracic aortic aneurysm and aortic dissection (TAAD). Also called: Thoracic aortic aneurysms and dissections. Identifiers: Orphanet 91387, MedGen C4707243, MONDO:0019625.
Ehlers-Danlos syndrome, classic type, 1 (EDSCL1). Also called: EHLERS-DANLOS SYNDROME, GRAVIS TYPE; EHLERS-DANLOS SYNDROME, SEVERE CLASSIC TYPE; Ehlers-Danlos syndrome, type 1; Ehlers-Danlos Syndrome, Classic Type, COL5A1-Related; EDS I. Identifiers: MedGen C0268335, MONDO:0019567, OMIM 130000.

gnomAD v4.1: 8 of 1,614,172 alleles (0.0005%); highest among the groups gnomAD compares: Non-Finnish European, 0.00068%; no homozygotes.

Submissions (2):

Labcorp Genetics (formerly Invitae), Labcorp
Classification: Uncertain significance for Ehlers-Danlos syndrome, classic type, 1. Last evaluated: 2025-11-11. Review status: criteria provided, single submitter. Criteria: Invitae Variant Classification Sherloc (09022015). Collection method: clinical testing. Allele origin: germline.
Comment: This sequence change replaces proline, which is neutral and non-polar, with leucine, which is neutral and non-polar, at codon 290 of the COL5A1 protein (p.Pro290Leu). This variant is not present in population databases (gnomAD no frequency). This variant has not been reported in the literature in individuals affected with COL5A1-related conditions. ClinVar contains an entry for this variant (Variation ID: 3703341). Invitae Evidence Modeling of protein sequence and biophysical properties (such as structural, functional, and spatial information, amino acid conservation, physicochemical variation, residue mobility, and thermodynamic stability) indicates that this missense variant is not expected to disrupt COL5A1 protein function with a negative predictive value of 95%. In summary, the available evidence is currently insufficient to determine the role of this variant in disease. Therefore, it has been classified as a Variant of Uncertain Significance.

Ambry Genetics
Classification: Uncertain significance for Familial thoracic aortic aneurysm and aortic dissection. Last evaluated: 2025-04-18. Review status: criteria provided, single submitter. Criteria: Ambry Variant Classification Scheme 2023. Collection method: clinical testing. Allele origin: germline.
Comment: The p.P290L variant (also known as c.869C>T), located in coding exon 6 of the COL5A1 gene, results from a C to T substitution at nucleotide position 869. The proline at codon 290 is replaced by leucine, an amino acid with similar properties. This amino acid position is not well conserved in available vertebrate species. In addition, this alteration is predicted to be tolerated by in silico analysis. Based on the available evidence, the clinical significance of this variant remains unclear.

NM_000093.5(COL5A1):c.869C>T (p.Pro290Leu)

Gene: COL5A1 (collagen type V alpha 1 chain; plus strand). Cytogenetic location: 9q34.3.
Variant type: single nucleotide variant.
Coding change: c.869C>T on transcript NM_000093.5 (MANE Select); coding-DNA position 869, C replaced by T.
Protein change: p.Pro290Leu; replaces proline 290 with leucine.
Molecular consequence: missense variant.
Genome position (GRCh38, 1-based): chr9:134,728,752, C>T. VCF-style: chr9-134728752-C-T. GRCh37 (hg19) VCF-style: chr9-137620598-C-T.
Other names: c.869C>T (NM_000093.3); c.869C>T, p.Pro290Leu (NM_001278074.1); short protein forms P290L.
Identifiers: ClinVar variation 3703341 (VCV003703341.3).
Genomic context (GRCh38, chr9:134,728,752, plus strand): 5'-GTGAGACCTATTACTACGAATACCCCTACTACGAAGACCCCGAAGACCTAGGGAAGGAGC[C>T]CACCCCCAGCAAGAAGCCCGTGGAAGCTGCCAAAGAAACCACAGAGGTCCCCGAGGTCTG-3'
Protein context (NP_000084.3, residues 280-300): YEDPEDLGKE[Pro290Leu]TPSKKPVEAA